The following is an entry in ClinVar:

ClinVar aggregate classification (germline): Uncertain significance. Review status: criteria provided, multiple submitters, no conflicts (2 of 4 stars). 2 submissions from 2 submitters: Uncertain significance (2). Last evaluated 2023-02-28.

Conditions:
Lipoic acid synthetase deficiency. Also called: HYPERGLYCINEMIA, LACTIC ACIDOSIS, AND SEIZURES. Identifiers: Orphanet 401859, MedGen C3280887, MONDO:0013762, OMIM 614462.
Inborn genetic diseases. Identifiers: MedGen C0950123, MeSH D030342.

Allele frequency attached by ClinVar (database versions not stated): gnomAD exomes below 0.00001; TOPMed below 0.00001.
gnomAD v4.1: 2 of 1,607,314 alleles (0.00012%); highest among the groups gnomAD compares: Non-Finnish European, 0.00017%; no homozygotes.

Submissions (2):

Ambry Genetics
Classification: Uncertain significance for Inborn genetic diseases. Last evaluated: 2023-02-28. Review status: criteria provided, single submitter. Criteria: Ambry Variant Classification Scheme 2023. Collection method: clinical testing. Allele origin: germline.

Labcorp Genetics (formerly Invitae), Labcorp
Classification: Uncertain significance for Lipoic acid synthetase deficiency. Last evaluated: 2022-12-06. Review status: criteria provided, single submitter. Criteria: Invitae Variant Classification Sherloc (09022015). Collection method: clinical testing. Allele origin: germline.
Comment: This variant has not been reported in the literature in individuals affected with LIAS-related conditions. ClinVar contains an entry for this variant (Variation ID: 572831). This variant is not present in population databases (gnomAD no frequency). This sequence change replaces aspartic acid, which is acidic and polar, with asparagine, which is neutral and polar, at codon 215 of the LIAS protein (p.Asp215Asn). Advanced modeling of protein sequence and biophysical properties (such as structural, functional, and spatial information, amino acid conservation, physicochemical variation, residue mobility, and thermodynamic stability) performed at Invitae indicates that this missense variant is expected to disrupt LIAS protein function. In summary, the available evidence is currently insufficient to determine the role of this variant in disease. Therefore, it has been classified as a Variant of Uncertain Significance.

NM_006859.4(LIAS):c.643G>A (p.Asp215Asn)

Gene: LIAS (lipoic acid synthetase; plus strand). Cytogenetic location: 4p14.
Variant type: single nucleotide variant.
Coding change: c.643G>A on transcript NM_006859.4 (MANE Select); coding-DNA position 643, G replaced by A.
Protein change: p.Asp215Asn; replaces aspartic acid 215 with asparagine.
Molecular consequence: missense variant. On other transcripts: intron variant (1).
Genome position (GRCh38, 1-based): chr4:39,467,552, G>A. VCF-style: chr4-39467552-G-A. GRCh37 (hg19) VCF-style: chr4-39469172-G-A.
Other names: c.334G>A, p.Asp112Asn (NM_001363700.2); c.643G>A, p.Asp215Asn (NM_194451.3); c.608+2210G>A (NM_001278590.2); c.643G>A (NM_006859.2); short protein forms D215N, D112N.
Identifiers: ClinVar variation 572831 (VCV000572831.8), dbSNP rs1560669433, ClinGen allele CA356664906.